The following is an entry in ClinVar:

NM_022047.4(DEF6):c.1342G>A (p.Ala448Thr)

Gene: DEF6 (DEF6 guanine nucleotide exchange factor; plus strand). Cytogenetic location: 6p21.31.
Variant type: single nucleotide variant.
Coding change: c.1342G>A on transcript NM_022047.4 (MANE Select); coding-DNA position 1342, G replaced by A.
Protein change: p.Ala448Thr; replaces alanine 448 with threonine.
Molecular consequence: missense variant.
Genome position (GRCh38, 1-based): chr6:35,319,650, G>A. VCF-style: chr6-35319650-G-A. GRCh37 (hg19) VCF-style: chr6-35287427-G-A.
Other names: short protein forms A448T.
Identifiers: ClinVar variation 1445078 (VCV001445078.6), dbSNP rs2150389237, ClinGen allele CA363767982.

ClinVar aggregate classification (germline): Uncertain significance (1 of 4 stars; one submission).

Submission:

Labcorp Genetics (formerly Invitae), Labcorp
Classification: Uncertain significance. Last evaluated: 2023-12-11. Review status: criteria provided, single submitter. Criteria: Invitae Variant Classification Sherloc (09022015). Collection method: clinical testing. Allele origin: germline.
Comment: This sequence change replaces alanine, which is neutral and non-polar, with threonine, which is neutral and polar, at codon 448 of the DEF6 protein (p.Ala448Thr). This variant is not present in population databases (gnomAD no frequency). This variant has not been reported in the literature in individuals affected with DEF6-related conditions. ClinVar contains an entry for this variant (Variation ID: 1445078). An algorithm developed to predict the effect of missense changes on protein structure and function (PolyPhen-2) suggests that this variant is likely to be disruptive. In summary, the available evidence is currently insufficient to determine the role of this variant in disease. Therefore, it has been classified as a Variant of Uncertain Significance.